The following is an entry in ClinVar:

NM_001256545.2(MEGF10):c.1523A>G (p.Asn508Ser)

Gene: MEGF10 (multiple EGF like domains 10; plus strand). Cytogenetic location: 5q23.2.
Variant type: single nucleotide variant.
Coding change: c.1523A>G on transcript NM_001256545.2 (MANE Select); coding-DNA position 1523, A replaced by G.
Protein change: p.Asn508Ser; replaces asparagine 508 with serine.
Molecular consequence: missense variant.
Genome position (GRCh38, 1-based): chr5:127,420,140, A>G. VCF-style: chr5-127420140-A-G. GRCh37 (hg19) VCF-style: chr5-126755832-A-G.
Other names: c.1523A>G, p.Asn508Ser (NM_001308119.2, NM_001308121.2, NM_032446.3); short protein forms N508S.
Identifiers: ClinVar variation 1002633 (VCV001002633.9), dbSNP rs184606767, ClinGen allele CA3391598.

ClinVar aggregate classification (germline): Uncertain significance. Review status: criteria provided, multiple submitters, no conflicts (2 of 4 stars). 2 submissions from 2 submitters: Uncertain significance (2). Last evaluated 2022-08-23.

Conditions:
MEGF10-related myopathy (CMYO10A). Also called: Congenital myopathy 10A, severe variant. Identifiers: Orphanet 439212, MedGen C3280679, MONDO:0013731, OMIM 614399.

Allele frequency attached by ClinVar (database versions not stated): gnomAD exomes below 0.00001 and 0.00001; TOPMed below 0.00001; ExAC 0.00001; gnomAD 0.00001; 1000 Genomes Project 30x 0.00016; 1000 Genomes Project 0.00020.
gnomAD v4.1: 8 of 1,614,178 alleles (0.0005%); highest among the groups gnomAD compares: Admixed American, 0.005%; no homozygotes.

Submissions (2):

Labcorp Genetics (formerly Invitae), Labcorp
Classification: Uncertain significance for MEGF10-related myopathy. Last evaluated: 2022-08-23. Review status: criteria provided, single submitter. Criteria: Invitae Variant Classification Sherloc (09022015). Collection method: clinical testing. Allele origin: germline.
Comment: This variant has not been reported in the literature in individuals affected with MEGF10-related conditions. ClinVar contains an entry for this variant (Variation ID: 1002633). Algorithms developed to predict the effect of missense changes on protein structure and function output the following: SIFT: "Tolerated"; PolyPhen-2: "Benign"; Align-GVGD: "Class C0". The serine amino acid residue is found in multiple mammalian species, which suggests that this missense change does not adversely affect protein function. In summary, the available evidence is currently insufficient to determine the role of this variant in disease. Therefore, it has been classified as a Variant of Uncertain Significance. This variant is present in population databases (rs184606767, gnomAD 0.003%). This sequence change replaces asparagine, which is neutral and polar, with serine, which is neutral and polar, at codon 508 of the MEGF10 protein (p.Asn508Ser).

GeneDx
Classification: Uncertain significance. Last evaluated: 2019-10-25. Review status: criteria provided, single submitter. Criteria: GeneDx Variant Classification Process June 2021. Collection method: clinical testing. Allele origin: germline. Affected: yes.
Comment: Not observed at a significant frequency in large population cohorts (Lek et al., 2016); Has not been previously published as pathogenic or benign to our knowledge; In silico analysis, which includes protein predictors and evolutionary conservation, supports that this variant does not alter protein structure/function